The following is an entry in ClinVar:

NM_001395460.1(TENM2):c.1310-5_1310-4dup

Gene: TENM2 (teneurin transmembrane protein 2; plus strand). Cytogenetic location: 5q34.
Variant type: Duplication.
Coding change: c.1310-5_1310-4dup on transcript NM_001395460.1 (MANE Select); 5 bases into the intron before coding-DNA position 1310 through 4 bases into the intron before coding-DNA position 1310, 2 bases duplicated (TT; older notation c.1310-5_1310-4dupTT).
Molecular consequence: intron variant.
Genome position (GRCh38, 1-based): chr5:168,062,055-168,062,056, TT duplicated; duplicating any 2 consecutive bases within chr5:168,062,045-168,062,056 gives the same sequence; the c. name uses the placement nearest the transcript's 3' end. VCF-style (leftmost placement, unchanged base first): chr5-168062044-C-CTT. GRCh37 (hg19) VCF-style: chr5-167489049-C-CTT.
Other names: c.1310-5_1310-4dup (NM_001122679.2); c.854-5_854-4dup (NM_001368145.1, NM_001368146.1); c.614-5_614-4dup (NM_001080428.3).
Identifiers: ClinVar variation 403528 (VCV000403528.5), dbSNP rs11411759, ClinGen allele CA3546711.
Genomic context (GRCh38, chr5:168,062,044, plus strand): 5'-ATGTAATTAAACAAATATAGAGCCAACTAATCTATACACGTCATTGACTGCTGTTTATTC[C>CTT]TTTTTTTTTTTTCAGTGCCCTGGTCGTTGAAAAACAGCAGCATAGACAGTGGTGAAGCAG-3'

ClinVar aggregate classification (germline): Benign (1 of 4 stars; one submission).

Submission:

Laboratory for Molecular Medicine, Mass General Brigham Personalized Medicine
Classification: Benign. Last evaluated: 2016-03-28. Review status: criteria provided, single submitter. Criteria: LMM Criteria. Collection method: clinical testing. Allele origin: germline.
Comment: Variant identified in a genome or exome case(s) and assessed due to predicted null impact of the variant or pathogenic assertions in the literature or databases. Disclaimer: This variant has not undergone full assessment. The following are preliminary notes: 8.2% of total chromosomes in ExAC